The following is an entry in ClinVar:

NM_002334.4(LRP4):c.52+2T>C

Genes: LRP4 (LDL receptor related protein 4; minus strand), LOC130005663 (ATAC-STARR-seq lymphoblastoid silent region 3318; plus strand). Cytogenetic location: 11p11.2.
Variant type: single nucleotide variant.
Coding change: c.52+2T>C on transcript NM_002334.4 (MANE Select); the canonical splice donor site of the intron after coding-DNA position 52, T replaced by C.
Molecular consequence: splice donor variant.
Genome position (GRCh38, 1-based): chr11:46,918,326, A>G on the plus strand (T>C on the coding strand, the complement: LRP4 is on the minus strand). VCF-style: chr11-46918326-A-G. GRCh37 (hg19) VCF-style: chr11-46939877-A-G.
Identifiers: ClinVar variation 4790241 (VCV004790241.1).
Genomic context (GRCh38, chr11:46,918,326, plus strand): 5'-CGGGAGGCGAGTCCTGCAGCGGCCGGACCCAGGGACAAACTTTCCCGGCGGGCGCCGCTT[A>G]CCGTGTGCGCAGAGCAGGGCGCCAAGCAGCAGCGCGCCCCACTGCCGCCTCATGGTGCCG-3'

ClinVar aggregate classification (germline): Likely pathogenic (1 of 4 stars; one submission).

Conditions:
Cenani-Lenz syndactyly syndrome. Also called: CENANI SYNDACTYLISM; SYNDACTYLY, TYPE VII. Identifiers: Orphanet 3258, MedGen C1859309, MONDO:0008931, OMIM 212780.
Sclerosteosis 2 (SOST2). Identifiers: Orphanet 3152, MedGen C3280402, MONDO:0013679, OMIM 614305.
Congenital myasthenic syndrome 17. Identifiers: Orphanet 590, MedGen C4225377, MONDO:0014578, OMIM 616304.

Submission:

Labcorp Genetics (formerly Invitae), Labcorp
Classification: Likely pathogenic for Cenani-Lenz syndactyly syndrome; Sclerosteosis 2; Congenital myasthenic syndrome 17. Last evaluated: 2026-01-05. Review status: criteria provided, single submitter. Criteria: Invitae Variant Classification Sherloc (09022015). Collection method: clinical testing. Allele origin: germline.
Comment: This sequence change affects a donor splice site in intron 1 of the LRP4 gene. It is expected to disrupt RNA splicing. Variants that disrupt the donor or acceptor splice site typically lead to a loss of protein function (PMID: 16199547), and loss-of-function variants in LRP4 are known to be pathogenic (PMID: 23636941, 24924585). This variant is not present in population databases (gnomAD no frequency). This variant has not been reported in the literature in individuals affected with LRP4-related conditions. Algorithms developed to predict the effect of sequence changes on RNA splicing suggest that this variant may disrupt the consensus splice site. In summary, the currently available evidence indicates that the variant is pathogenic, but additional data are needed to prove that conclusively. Therefore, this variant has been classified as Likely Pathogenic.

Literature cited by the submitters: PubMed 16199547; PubMed 23636941; PubMed 24924585.